The following is an entry in ClinVar:

NM_006231.4(POLE):c.1470C>A (p.Asp490Glu)

Gene: POLE (DNA polymerase epsilon, catalytic subunit; minus strand). Cytogenetic location: 12q24.33.
Variant type: single nucleotide variant.
Coding change: c.1470C>A on transcript NM_006231.4 (MANE Select); coding-DNA position 1470, C replaced by A.
Protein change: p.Asp490Glu; replaces aspartic acid 490 with glutamic acid.
Molecular consequence: missense variant.
Genome position (GRCh38, 1-based): chr12:132,673,167, G>T on the plus strand (C>A on the coding strand, the complement: POLE is on the minus strand). VCF-style: chr12-132673167-G-T. GRCh37 (hg19) VCF-style: chr12-133249753-G-T.
Other names: short protein forms D490E.
Identifiers: ClinVar variation 1056930 (VCV001056930.9), dbSNP rs5744777, ClinGen allele CA387358053.

ClinVar aggregate classification (germline): Uncertain significance (1 of 4 stars; one submission).

gnomAD v4.1: 1 of 1,595,870 alleles (0.000063%); no homozygotes.

Submission:

Labcorp Genetics (formerly Invitae), Labcorp
Classification: Uncertain significance. Last evaluated: 2020-07-15. Review status: criteria provided, single submitter. Criteria: Invitae Variant Classification Sherloc (09022015). Collection method: clinical testing. Allele origin: germline.
Comment: This variant has not been reported in the literature in individuals with POLE-related conditions. This variant is not present in population databases (ExAC no frequency). This sequence change replaces aspartic acid with glutamic acid at codon 490 of the POLE protein (p.Asp490Glu). The aspartic acid residue is highly conserved and there is a small physicochemical difference between aspartic acid and glutamic acid. Algorithms developed to predict the effect of missense changes on protein structure and function (SIFT, PolyPhen-2, Align-GVGD) all suggest that this variant is likely to be disruptive, but these predictions have not been confirmed by published functional studies and their clinical significance is uncertain. In summary, the available evidence is currently insufficient to determine the role of this variant in disease. Therefore, it has been classified as a Variant of Uncertain Significance.